The following is an entry in ClinVar:

NM_006080.3(SEMA3A):c.274G>A (p.Val92Met)

Gene: SEMA3A (semaphorin 3A; minus strand). Cytogenetic location: 7q21.11.
Variant type: single nucleotide variant.
Coding change: c.274G>A on transcript NM_006080.3 (MANE Select); coding-DNA position 274, G replaced by A.
Protein change: p.Val92Met; replaces valine 92 with methionine.
Molecular consequence: missense variant.
Genome position (GRCh38, 1-based): chr7:84,129,182, C>T on the plus strand (G>A on the coding strand, the complement: SEMA3A is on the minus strand). VCF-style: chr7-84129182-C-T. GRCh37 (hg19) VCF-style: chr7-83758498-C-T.
Other names: short protein forms V92M.
Identifiers: ClinVar variation 5000454 (VCV005000454.1).
Genomic context (GRCh38, chr7:84,129,182, plus strand): 5'-CCAGGATGTCTTTTCCAGCCCACTTGCATTCATCTCTTCTGGTGTAAGATACTGGCCACA[C>T]AATCTAAGGACAGAGAATAAACATTGTTTTATGTCAACTAAGTTGTCTAAGAGATCCAAC-3'
Protein context (NP_006071.1, residues 82-102): LVNIKDFQKI[Val92Met]WPVSYTRRDE

ClinVar aggregate classification (germline): Uncertain significance (1 of 4 stars; one submission).

Conditions:
SEMA3A-related disorder. Also called: SEMA3A-related condition.

Submission:

PreventionGenetics, part of Exact Sciences
Classification: Uncertain significance for SEMA3A-related condition. Last evaluated: 2025-07-23. Review status: criteria provided, single submitter. Criteria: ACMG Guidelines, 2015. Collection method: clinical testing. Allele origin: germline.
Comment: The SEMA3A c.274G>A variant is predicted to result in the amino acid substitution p.Val92Met. To our knowledge, this variant has not been reported in the literature or in a large population database (gnomAD), indicating this variant is rare. At this time, the clinical significance of this variant is uncertain due to the absence of conclusive functional and genetic evidence.